The following is an entry in ClinVar:

ClinVar aggregate classification (germline): Uncertain significance (1 of 4 stars; one submission).

Conditions:
Progressive familial heart block type IB (PFHB1B). Identifiers: Orphanet 871, MedGen C1970298, MONDO:0011474, OMIM 604559.

Submission:

Labcorp Genetics (formerly Invitae), Labcorp
Classification: Uncertain significance for Progressive familial heart block type IB. Last evaluated: 2024-09-11. Review status: criteria provided, single submitter. Criteria: Invitae Variant Classification Sherloc (09022015). Collection method: clinical testing. Allele origin: germline.
Comment: This sequence change replaces phenylalanine, which is neutral and non-polar, with leucine, which is neutral and non-polar, at codon 454 of the TRPM4 protein (p.Phe454Leu). This variant is not present in population databases (gnomAD no frequency). This variant has not been reported in the literature in individuals affected with TRPM4-related conditions. An algorithm developed to predict the effect of missense changes on protein structure and function (PolyPhen-2) suggests that this variant is likely to be disruptive. In summary, the available evidence is currently insufficient to determine the role of this variant in disease. Therefore, it has been classified as a Variant of Uncertain Significance.

NM_017636.4(TRPM4):c.1360T>C (p.Phe454Leu)

Gene: TRPM4 (transient receptor potential cation channel subfamily M member 4; plus strand). Cytogenetic location: 19q13.33.
Variant type: single nucleotide variant.
Coding change: c.1360T>C on transcript NM_017636.4 (MANE Select); coding-DNA position 1360, T replaced by C.
Protein change: p.Phe454Leu; replaces phenylalanine 454 with leucine.
Molecular consequence: missense variant. On other transcripts: 5 prime UTR variant (1).
Genome position (GRCh38, 1-based): chr19:49,182,674, T>C. VCF-style: chr19-49182674-T-C. GRCh37 (hg19) VCF-style: chr19-49685931-T-C.
Other names: c.1360T>C, p.Phe454Leu (NM_001195227.2); c.1015T>C, p.Phe339Leu (NM_001321281.2); c.-194T>C (NM_001321282.2); c.838T>C, p.Phe280Leu (NM_001321283.2); c.298T>C, p.Phe100Leu (NM_001321285.2); short protein forms F100L, F339L, F454L, F280L.
Identifiers: ClinVar variation 3704572 (VCV003704572.2).
Genomic context (GRCh38, chr19:49,182,674, plus strand): 5'-CTGAATGACCGGCCTGAGTTCGTGCGCTTGCTCATTTCCCACGGCCTCAGCCTGGGCCAC[T>C]TCCTGACCCCGATGCGCCTGGCCCAACTCTACAGCGCGGCGCCCTCCAACTCGCTCATCC-3'
Protein context (NP_060106.2, residues 444-464): LISHGLSLGH[Phe454Leu]LTPMRLAQLY